The following is an entry in ClinVar:

NM_022489.4(INF2):c.1276C>A (p.Pro426Thr)

Gene: INF2 (inverted formin 2; plus strand). Cytogenetic location: 14q32.33.
Variant type: single nucleotide variant.
Coding change: c.1276C>A on transcript NM_022489.4 (MANE Select); coding-DNA position 1276, C replaced by A.
Protein change: p.Pro426Thr; replaces proline 426 with threonine.
Molecular consequence: missense variant.
Genome position (GRCh38, 1-based): chr14:104,707,543, C>A. VCF-style: chr14-104707543-C-A. GRCh37 (hg19) VCF-style: chr14-105173880-C-A.
Other names: c.1276C>A, p.Pro426Thr (NM_001031714.4); short protein forms P426T.
Identifiers: ClinVar variation 1485366 (VCV001485366.8), dbSNP rs766635668, ClinGen allele CA391216433.

ClinVar aggregate classification (germline): Uncertain significance (1 of 4 stars; one submission).

Conditions:
Focal segmental glomerulosclerosis 5 (FSGS5). Identifiers: Orphanet 656, MedGen C2750475, MONDO:0013191, OMIM 613237.
Charcot-Marie-Tooth disease dominant intermediate E. Also called: CHARCOT-MARIE-TOOTH NEUROPATHY WITH FOCAL SEGMENTAL GLOMERULONEPHRITIS. Identifiers: Orphanet 93114, MedGen C4302667, MONDO:0013758, OMIM 614455.

Submission:

Labcorp Genetics (formerly Invitae), Labcorp
Classification: Uncertain significance for Charcot-Marie-Tooth disease dominant intermediate E; Focal segmental glomerulosclerosis 5. Last evaluated: 2022-06-27. Review status: criteria provided, single submitter. Criteria: Invitae Variant Classification Sherloc (09022015). Collection method: clinical testing. Allele origin: germline.
Comment: This sequence change replaces proline, which is neutral and non-polar, with threonine, which is neutral and polar, at codon 426 of the INF2 protein (p.Pro426Thr). This variant is not present in population databases (gnomAD no frequency). This variant has not been reported in the literature in individuals affected with INF2-related conditions. Algorithms developed to predict the effect of missense changes on protein structure and function are either unavailable or do not agree on the potential impact of this missense change (SIFT: "Tolerated"; PolyPhen-2: "Not Available"; Align-GVGD: "Class C0"). In summary, the available evidence is currently insufficient to determine the role of this variant in disease. Therefore, it has been classified as a Variant of Uncertain Significance.